The following is an entry in ClinVar:

ClinVar aggregate classification (germline): Uncertain significance (1 of 4 stars; one submission).

Conditions:
Intellectual disability, CASK-related, X-linked. Identifiers: MedGen CN043158.

Submission:

Labcorp Genetics (formerly Invitae), Labcorp
Classification: Uncertain significance for Intellectual disability, CASK-related, X-linked. Last evaluated: 2024-09-17. Review status: criteria provided, single submitter. Criteria: Invitae Variant Classification Sherloc (09022015). Collection method: clinical testing. Allele origin: germline.
Comment: This sequence change replaces aspartic acid, which is acidic and polar, with asparagine, which is neutral and polar, at codon 5 of the CASK protein (p.Asp5Asn). This variant is not present in population databases (gnomAD no frequency). This variant has not been reported in the literature in individuals affected with CASK-related conditions. Invitae Evidence Modeling of protein sequence and biophysical properties (such as structural, functional, and spatial information, amino acid conservation, physicochemical variation, residue mobility, and thermodynamic stability) has been performed for this missense variant. However, the output from this modeling did not meet the statistical confidence thresholds required to predict the impact of this variant on CASK protein function. In summary, the available evidence is currently insufficient to determine the role of this variant in disease. Therefore, it has been classified as a Variant of Uncertain Significance.

NM_001367721.1(CASK):c.13G>A (p.Asp5Asn)

Gene: CASK (calcium/calmodulin dependent serine protein kinase; minus strand). Cytogenetic location: Xp11.4.
Variant type: single nucleotide variant.
Coding change: c.13G>A on transcript NM_001367721.1 (MANE Select); coding-DNA position 13, G replaced by A.
Protein change: p.Asp5Asn; replaces aspartic acid 5 with asparagine.
Molecular consequence: missense variant.
Genome position (GRCh38, 1-based): chrX:41,922,976, C>T on the plus strand (G>A on the coding strand, the complement: CASK is on the minus strand). VCF-style: chrX-41922976-C-T. GRCh37 (hg19) VCF-style: chrX-41782229-C-T.
Other names: c.13G>A, p.Asp5Asn (NM_001126054.3, NM_001126055.3, NM_001410745.1 and 1 more transcripts); short protein forms D5N.
Identifiers: ClinVar variation 3717629 (VCV003717629.2).
Genomic context (GRCh38, chrX:41,922,976, plus strand): 5'-GCGTGGAGACTCACTTTCCGATCACCTCGCACAGCTCGTACACATCCTCGAACAGCACGT[C>T]GTCGTCGGCCATGGTCCGGAGGGGATAGCGGCCGCAGCGTGGAGGGCTTCGAAAACGGGG-3'
Protein context (NP_001354650.1, residues 1-15): MADD[Asp5Asn]VLFEDVYELC